The following is an entry in ClinVar:

NM_004863.4(SPTLC2):c.197C>A (p.Thr66Lys)

Gene: SPTLC2 (serine palmitoyltransferase long chain base subunit 2; minus strand). Cytogenetic location: 14q24.3.
Variant type: single nucleotide variant.
Coding change: c.197C>A on transcript NM_004863.4 (MANE Select); coding-DNA position 197, C replaced by A.
Protein change: p.Thr66Lys; replaces threonine 66 with lysine.
Molecular consequence: missense variant.
Genome position (GRCh38, 1-based): chr14:77,597,316, G>T on the plus strand (C>A on the coding strand, the complement: SPTLC2 is on the minus strand). VCF-style: chr14-77597316-G-T. GRCh37 (hg19) VCF-style: chr14-78063659-G-T.
Other names: short protein forms T66K.
Identifiers: ClinVar variation 1309306 (VCV001309306.2), dbSNP rs2140056267, ClinGen allele CA390705692.
Genomic context (GRCh38, chr14:77,597,316, plus strand): 5'-TATCCAAAGAGGGTGAGTACGCCATACCCCACATACGTGAGCACAGCAACCAGCATTGGT[G>T]TTTCTTCAAAAGCTTCATTAAACGGTCTTTTATATAGTCCTCCATTTTGTGTAACATGAT-3'
Protein context (NP_004854.1, residues 56-76): KRPFNEAFEE[Thr66Lys]PMLVAVLTYV

ClinVar aggregate classification (germline): Uncertain significance (1 of 4 stars; one submission).

Submission:

GeneDx
Classification: Uncertain significance. Last evaluated: 2019-08-28. Review status: criteria provided, single submitter. Criteria: GeneDx Variant Classification Process June 2021. Collection method: clinical testing. Allele origin: germline. Affected: yes.
Comment: Not observed in large population cohorts (Lek et al., 2016); In silico analysis, which includes protein predictors and evolutionary conservation, supports a deleterious effect; Has not been previously published as pathogenic or benign to our knowledge